The following is an entry in ClinVar:

ClinVar aggregate classification (germline): Conflicting classifications of pathogenicity. Review status: criteria provided, conflicting classifications (1 of 4 stars). 3 submissions from 3 submitters: Uncertain significance (2); Likely benign (1). Last evaluated 2025-09-16.

Conditions:
Cardiovascular phenotype. Identifiers: MedGen CN230736.
Hereditary cancer-predisposing syndrome. Also called: Neoplastic Syndromes, Hereditary; Hereditary neoplastic syndrome; Tumor predisposition; Hereditary Cancer Syndrome. Identifiers: Orphanet 140162, MedGen C0027672, MeSH D009386, MONDO:0015356.
LZTR1-related disorder. Also called: LZTR1-related disorders; LZTR1-related condition.

Allele frequency attached by ClinVar (database versions not stated): gnomAD exomes below 0.00001; TOPMed 0.00001.
gnomAD v4.1: 3 of 1,611,942 alleles (0.00019%); highest among the groups gnomAD compares: Admixed American, 0.0017%; no homozygotes.

Submissions (3):

Labcorp Genetics (formerly Invitae), Labcorp
Classification: Uncertain significance. Last evaluated: 2025-09-16. Review status: criteria provided, single submitter. Criteria: Invitae Variant Classification Sherloc (09022015). Collection method: clinical testing. Allele origin: germline.
Comment: This sequence change replaces aspartic acid, which is acidic and polar, with asparagine, which is neutral and polar, at codon 642 of the LZTR1 protein (p.Asp642Asn). This variant is not present in population databases (gnomAD no frequency). This variant has not been reported in the literature in individuals affected with LZTR1-related conditions. ClinVar contains an entry for this variant (Variation ID: 2496776). Invitae Evidence Modeling of protein sequence and biophysical properties (such as structural, functional, and spatial information, amino acid conservation, physicochemical variation, residue mobility, and thermodynamic stability) indicates that this missense variant is not expected to disrupt LZTR1 protein function with a negative predictive value of 80%. In summary, the available evidence is currently insufficient to determine the role of this variant in disease. Therefore, it has been classified as a Variant of Uncertain Significance.

PreventionGenetics, part of Exact Sciences
Classification: Uncertain significance for LZTR1-related condition. Last evaluated: 2025-02-08. Review status: criteria provided, single submitter. Criteria: ACMG Guidelines, 2015. Collection method: clinical testing. Allele origin: germline.
Comment: The LZTR1 c.1924G>A variant is predicted to result in the amino acid substitution p.Asp642Asn. To our knowledge, this variant has not been reported in the literature or in a large population database (gnomAD), indicating this variant is rare. At this time, the clinical significance of this variant is uncertain due to the absence of conclusive functional and genetic evidence.

Ambry Genetics
Classification: Likely benign for Cardiovascular phenotype; Hereditary cancer-predisposing syndrome. Last evaluated: 2024-08-21. Review status: criteria provided, single submitter. Criteria: Ambry Variant Classification Scheme 2023. Collection method: clinical testing. Allele origin: germline.

NM_006767.4(LZTR1):c.1924G>A (p.Asp642Asn)

Gene: LZTR1 (leucine zipper like post translational regulator 1; plus strand). Cytogenetic location: 22q11.21.
Variant type: single nucleotide variant.
Coding change: c.1924G>A on transcript NM_006767.4 (MANE Select); coding-DNA position 1924, G replaced by A.
Protein change: p.Asp642Asn; replaces aspartic acid 642 with asparagine.
Molecular consequence: missense variant.
Genome position (GRCh38, 1-based): chr22:20,995,008, G>A. VCF-style: chr22-20995008-G-A. GRCh37 (hg19) VCF-style: chr22-21349297-G-A.
Other names: short protein forms D642N.
Identifiers: ClinVar variation 2496776 (VCV002496776.7), dbSNP rs1924778981, ClinGen allele CA410778735.